The following is an entry in ClinVar:

NM_001148.6(ANK2):c.2741C>T (p.Ser914Phe)

Gene: ANK2 (ankyrin 2; plus strand). Cytogenetic location: 4q26.
Variant type: single nucleotide variant.
Coding change: c.2741C>T on transcript NM_001148.6 (MANE Select); coding-DNA position 2741, C replaced by T.
Protein change: p.Ser914Phe; replaces serine 914 with phenylalanine.
Molecular consequence: missense variant.
Genome position (GRCh38, 1-based): chr4:113,317,754, C>T. VCF-style: chr4-113317754-C-T. GRCh37 (hg19) VCF-style: chr4-114238910-C-T.
Other names: c.2675C>T, p.Ser892Phe (NM_001354256.2, NM_001386161.1, NM_001354239.2 and 3 more transcripts); c.2579C>T, p.Ser860Phe (NM_001354257.2, NM_001354253.2, NM_001354270.2 and 1 more transcripts); c.2741C>T, p.Ser914Phe (NM_001354258.2, NM_020977.5, NM_001354228.2 and 1 more transcripts); c.2555C>T, p.Ser852Phe (NM_001354260.2, NM_001354271.2, NM_001386151.1); c.2699C>T, p.Ser900Phe (NM_001354261.2, NM_001386147.1); c.2678C>T, p.Ser893Phe (NM_001354262.2, NM_001386143.1, NM_001127493.3 and 3 more transcripts); c.2654C>T, p.Ser885Phe (NM_001354264.2, NM_001354266.2, NM_001354267.2 and 7 more transcripts); c.2738C>T, p.Ser913Phe (NM_001354265.2, NM_001354235.2, NM_001354236.2 and 1 more transcripts); and 17 more; short protein forms S123F, S847F, S852F, S881F, S892F, S900F, S928F, S929F.
Identifiers: ClinVar variation 4613592 (VCV004613592.1).

ClinVar aggregate classification (germline): Uncertain significance (1 of 4 stars; one submission).

Conditions:
Cardiovascular phenotype. Identifiers: MedGen CN230736.

gnomAD v4.1: 2 of 1,614,162 alleles (0.00012%); highest among the groups gnomAD compares: Non-Finnish European, 0.00017%; no homozygotes.

Submission:

Ambry Genetics
Classification: Uncertain significance for Cardiovascular phenotype. Last evaluated: 2025-10-23. Review status: criteria provided, single submitter. Criteria: Ambry Variant Classification Scheme 2023. Collection method: clinical testing. Allele origin: germline.
Comment: The c.2741C>T (p.S914F) alteration is located in exon 25 (coding exon 25) of the ANK2 gene. This alteration results from a C to T substitution at nucleotide position 2741, causing the serine (S) at amino acid position 914 to be replaced by a phenylalanine (F). Based on data from gnomAD, the T allele has an overall frequency of <0.001% (1/251454) total alleles studied. The highest observed frequency was 0.001% (1/113746) of European (non-Finnish) alleles. Based on insufficient or conflicting evidence, the clinical significance of this alteration remains unclear.